The following is an entry in ClinVar:

NM_001365999.1(SZT2):c.8470C>T (p.Arg2824Cys)

Gene: SZT2 (SZT2 subunit of KICSTOR complex; plus strand). Cytogenetic location: 1p34.2.
Variant type: single nucleotide variant.
Coding change: c.8470C>T on transcript NM_001365999.1 (MANE Select); coding-DNA position 8470, C replaced by T.
Protein change: p.Arg2824Cys; replaces arginine 2824 with cysteine.
Molecular consequence: missense variant.
Genome position (GRCh38, 1-based): chr1:43,443,238, C>T. VCF-style: chr1-43443238-C-T. GRCh37 (hg19) VCF-style: chr1-43908909-C-T.
Other names: c.8299C>T, p.Arg2767Cys (NM_015284.4); c.8299C>T (NM_015284.3); short protein forms R2767C, R2824C.
Identifiers: ClinVar variation 2882936 (VCV002882936.2), dbSNP rs1456428292, ClinGen allele CA340039252.
Genomic context (GRCh38, chr1:43,443,238, plus strand): 5'-CAACCCTCAGAGCTGGAGCGCCAGATGAAGATGGAAAACCTGTTTGTAACCTGGCAGCAG[C>T]GTTCTACCCCAGCCACCATGCCCATCAGTGTGAGTGACCCCAGCTTGCATCTTCCTTGAG-3'
Protein context (NP_001352928.1, residues 2814-2834): MENLFVTWQQ[Arg2824Cys]STPATMPISA

ClinVar aggregate classification (germline): Uncertain significance. Review status: criteria provided, multiple submitters, no conflicts (2 of 4 stars). 2 submissions from 2 submitters: Uncertain significance (2). Last evaluated 2026-02-11.

Allele frequency attached by ClinVar (database versions not stated): gnomAD 0.00001; gnomAD exomes 0.00001.
gnomAD v4.1: 11 of 1,614,060 alleles (0.00068%); highest among the groups gnomAD compares: East Asian, 0.0022%; no homozygotes.

Submissions (2):

GeneDx
Classification: Uncertain significance. Last evaluated: 2026-02-11. Review status: criteria provided, single submitter. Criteria: GeneDx Variant Classification Process June 2021. Collection method: clinical testing. Allele origin: germline.
Comment: Not observed at significant frequency in large population cohorts (gnomAD); In silico analysis supports that this missense variant has a deleterious effect on protein structure/function; Has not been previously published as pathogenic or benign to our knowledge

Labcorp Genetics (formerly Invitae), Labcorp
Classification: Uncertain significance. Last evaluated: 2023-10-18. Review status: criteria provided, single submitter. Criteria: Invitae Variant Classification Sherloc (09022015). Collection method: clinical testing. Allele origin: germline.
Comment: This sequence change replaces arginine, which is basic and polar, with cysteine, which is neutral and slightly polar, at codon 2767 of the SZT2 protein (p.Arg2767Cys). This variant is present in population databases (no rsID available, gnomAD 0.004%). This variant has not been reported in the literature in individuals affected with SZT2-related conditions. Advanced modeling of protein sequence and biophysical properties (such as structural, functional, and spatial information, amino acid conservation, physicochemical variation, residue mobility, and thermodynamic stability) performed at Invitae indicates that this missense variant is expected to disrupt SZT2 protein function. In summary, the available evidence is currently insufficient to determine the role of this variant in disease. Therefore, it has been classified as a Variant of Uncertain Significance.